The following is an entry in ClinVar:

ClinVar aggregate classification (germline): Uncertain significance (1 of 4 stars; one submission).

Conditions:
Primary ciliary dyskinesia. Also called: Ciliary dyskinesia. Identifiers: Orphanet 244, MedGen C0008780, MONDO:0016575, HP:0012265.

Submission:

Labcorp Genetics (formerly Invitae), Labcorp
Classification: Uncertain significance for Primary ciliary dyskinesia. Last evaluated: 2019-02-07. Review status: criteria provided, single submitter. Criteria: Invitae Variant Classification Sherloc (09022015). Collection method: clinical testing. Allele origin: germline.
Comment: This sequence change replaces tyrosine with aspartic acid at codon 537 of the DNAH11 protein (p.Tyr537Asp). The tyrosine residue is moderately conserved and there is a large physicochemical difference between tyrosine and aspartic acid. This variant is not present in population databases (ExAC no frequency). This variant has not been reported in the literature in individuals with DNAH11-related conditions. Algorithms developed to predict the effect of missense changes on protein structure and function are either unavailable or do not agree on the potential impact of this missense change (SIFT: "Tolerated"; PolyPhen-2: "Probably Damaging"; Align-GVGD: "Class C0"). In summary, the available evidence is currently insufficient to determine the role of this variant in disease. Therefore, it has been classified as a Variant of Uncertain Significance.

NM_001277115.2(DNAH11):c.1609T>G (p.Tyr537Asp)

Gene: DNAH11 (dynein axonemal heavy chain 11; plus strand). Cytogenetic location: 7p15.3.
Variant type: single nucleotide variant.
Coding change: c.1609T>G on transcript NM_001277115.2 (MANE Select); coding-DNA position 1609, T replaced by G.
Protein change: p.Tyr537Asp; replaces tyrosine 537 with aspartic acid.
Molecular consequence: missense variant.
Genome position (GRCh38, 1-based): chr7:21,581,920, T>G. VCF-style: chr7-21581920-T-G. GRCh37 (hg19) VCF-style: chr7-21621538-T-G.
Other names: short protein forms Y537D.
Identifiers: ClinVar variation 861748 (VCV000861748.1), dbSNP rs1784321972, ClinGen allele CA366937098.